The following is an entry in ClinVar:

NM_007294.4(BRCA1):c.1534del (p.Leu512fs)

Gene: BRCA1 (BRCA1 DNA repair associated; minus strand). Cytogenetic location: 17q21.31.
Variant type: Deletion.
Coding change: c.1534del on transcript NM_007294.4 (MANE Select); coding-DNA position 1534, one base deleted (C; older notation c.1534delC).
Protein change: p.Leu512fs; shifts the reading frame from leucine 512.
Molecular consequence: frameshift variant. On other transcripts: intron variant (137).
Genome position (GRCh38, 1-based): chr17:43,093,997, G deleted on the plus strand (C on the coding strand, the reverse complement: BRCA1 is on the minus strand); the first of 2 consecutive G bases (chr17:43,093,997-43,093,998); deleting either gives the same sequence. VCF-style (leftmost placement, unchanged base first): chr17-43093996-AG-A. GRCh37 (hg19) VCF-style: chr17-41246013-AG-A.
Other names: c.1321del, p.Leu441fs (NM_001407571.1, NM_001407853.1, NM_001407894.1 and 9 more transcripts); c.1534del, p.Leu512fs (NM_001407581.1, NM_001407582.1, NM_001407583.1 and 30 more transcripts); c.1531del, p.Leu511fs (NM_001407587.1, NM_001407590.1, NM_001407591.1 and 22 more transcripts); c.1525del, p.Leu509fs (NM_001407646.1, NM_001407647.1); c.1411del, p.Leu471fs (NM_001407648.1, NM_001407664.1, NM_001407665.1 and 19 more transcripts); c.1408del, p.Leu470fs (NM_001407649.1, NM_001407670.1, NM_001407671.1 and 11 more transcripts); c.1456del, p.Leu486fs (NM_001407653.1, NM_001407654.1, NM_001407655.1 and 4 more transcripts); c.1453del, p.Leu485fs (NM_001407659.1, NM_001407660.1, NM_001407661.1 and 1 more transcripts); and 41 more; short protein forms L465fs, L512fs, L401fs, L216fs, L385fs, L442fs, L464fs, L486fs.
Identifiers: ClinVar variation 1774696 (VCV001774696.5), dbSNP rs2552203224, ClinGen allele CA2499224547.

ClinVar aggregate classification (germline): Pathogenic. Review status: criteria provided, multiple submitters, no conflicts (2 of 4 stars). 2 submissions from 2 submitters: Pathogenic (2). Last evaluated 2023-10-04.

Conditions:
Hereditary cancer-predisposing syndrome. Also called: Hereditary Cancer Syndrome; Hereditary neoplastic syndrome; Neoplastic Syndromes, Hereditary; Tumor predisposition. Identifiers: Orphanet 140162, MedGen C0027672, MeSH D009386, MONDO:0015356.
Hereditary breast ovarian cancer syndrome. Also called: Hereditary breast and ovarian cancer syndrome (HBOC); Breast and ovarian cancer; Hereditary breast and ovarian cancer syndrome; Hereditary breast and/or ovarian cancer syndrome; BRCA1- and BRCA2-Associated Hereditary Breast and Ovarian Cancer; Hereditary breast and ovarian cancer. Identifiers: Orphanet 145, MedGen C0677776, MeSH D061325, MONDO:0003582. Disease mechanism: loss of function.

Submissions (2):

Labcorp Genetics (formerly Invitae), Labcorp
Classification: Pathogenic for Hereditary breast ovarian cancer syndrome. Last evaluated: 2023-10-04. Review status: criteria provided, single submitter. Criteria: Invitae Variant Classification Sherloc (09022015). Collection method: clinical testing. Allele origin: germline.
Comment: This sequence change creates a premature translational stop signal (p.Leu512Phefs*20) in the BRCA1 gene. It is expected to result in an absent or disrupted protein product. Loss-of-function variants in BRCA1 are known to be pathogenic (PMID: 20104584). This variant is not present in population databases (gnomAD no frequency). This premature translational stop signal has been observed in individual(s) with breast or ovarian cancer (PMID: 29470806). ClinVar contains an entry for this variant (Variation ID: 1774696). For these reasons, this variant has been classified as Pathogenic.

Ambry Genetics
Classification: Pathogenic for Hereditary cancer-predisposing syndrome. Last evaluated: 2017-05-09. Review status: criteria provided, single submitter. Criteria: Ambry Variant Classification Scheme 2023. Collection method: clinical testing. Allele origin: germline.
Comment: The c.1534delC pathogenic mutation, located in coding exon 9 of the BRCA1 gene, results from a deletion of one nucleotide at nucleotide position 1534, causing a translational frameshift with a predicted alternate stop codon (p.L512Ffs*20). This alteration is expected to result in loss of function by premature protein truncation or nonsense-mediated mRNA decay. As such, this alteration is interpreted as a disease-causing mutation.

Literature cited by the submitters: PubMed 20104584 (cited by Labcorp Genetics (formerly Invitae), Labcorp); PubMed 29470806 (cited by Labcorp Genetics (formerly Invitae), Labcorp).